The following is an entry in ClinVar:

NM_006922.4(SCN3A):c.2653C>T (p.Leu885Phe)

Gene: SCN3A (sodium voltage-gated channel alpha subunit 3; minus strand). Cytogenetic location: 2q24.3.
Variant type: single nucleotide variant.
Coding change: c.2653C>T on transcript NM_006922.4 (MANE Select); coding-DNA position 2653, C replaced by T.
Protein change: p.Leu885Phe; replaces leucine 885 with phenylalanine.
Molecular consequence: missense variant.
Genome position (GRCh38, 1-based): chr2:165,130,209, G>A on the plus strand (C>T on the coding strand, the complement: SCN3A is on the minus strand). VCF-style: chr2-165130209-G-A. GRCh37 (hg19) VCF-style: chr2-165986719-G-A.
Other names: c.2506C>T, p.Leu836Phe (NM_001081676.2, NM_001081677.2); short protein forms L836F, L885F.
Identifiers: ClinVar variation 1329933 (VCV001329933.2), dbSNP rs2105772689, ClinGen allele CA349042838.

ClinVar aggregate classification (germline): Likely pathogenic. Review status: criteria provided, multiple submitters, no conflicts (2 of 4 stars). 2 submissions from 2 submitters: Likely pathogenic (2). Last evaluated 2022-09-01.

Conditions:
Developmental and epileptic encephalopathy, 62. Also called: Early infantile epileptic encephalopathy 62. Identifiers: MedGen C4693699, MONDO:0033371, OMIM 617938.

Submissions (2):

3billion
Classification: Likely pathogenic for Developmental and epileptic encephalopathy, 62. Last evaluated: 2022-09-01. Review status: criteria provided, single submitter. Criteria: ACMG Guidelines, 2015. Collection method: clinical testing. Allele origin: germline. Affected: yes. Observed: 1 heterozygote.
Comment: The variant is not observed in the gnomAD v2.1.1 dataset. Missense changes are a common disease-causing mechanism. In silico tool predictions suggest damaging effect of the variant on gene or gene product (REVEL: 0.92; 3Cnet: 0.99). Same nucleotide change resulting in same amino acid change has been previously reported to be associated with SCN3A-related disorder (ClinVar ID: VCV001329933 / PMID: 32515017). The variant has been previously reported as de novo in a similarly affected individual (PMID: 32515017). Therefore, this variant is classified as Likely pathogenic according to the recommendation of ACMG/AMP guideline.

Institute of Human Genetics, University of Leipzig Medical Center
Classification: Likely pathogenic for Developmental and epileptic encephalopathy, 62. Last evaluated: 2021-12-21. Review status: criteria provided, single submitter. Criteria: ACMG Guidelines, 2015. Collection method: research. Allele origin: de novo. Affected: yes.

Literature cited by the submitters: PubMed 32515017 (cited by 3billion and Institute of Human Genetics, University of Leipzig Medical Center).